The following is an entry in ClinVar:

NM_001352027.3(PHF21A):c.852C>T (p.Pro284=)

Gene: PHF21A (PHD finger protein 21A; minus strand). Cytogenetic location: 11p11.2.
Variant type: single nucleotide variant.
Coding change: c.852C>T on transcript NM_001352027.3 (MANE Select); coding-DNA position 852, C replaced by T.
Protein change: p.Pro284=; no amino-acid change (proline 284 retained).
Molecular consequence: synonymous variant. On other transcripts: non-coding transcript variant (2).
Genome position (GRCh38, 1-based): chr11:45,965,459, G>A on the plus strand (C>T on the coding strand, the complement: PHF21A is on the minus strand). VCF-style: chr11-45965459-G-A. GRCh37 (hg19) VCF-style: chr11-45987010-G-A.
Other names: c.849C>T, p.Pro283= (NM_001101802.3, NM_001352030.3, NM_001352031.3 and 1 more transcripts); c.852C>T, p.Pro284= (NM_001352025.3, NM_001352026.3, NM_001352028.1 and 2 more transcripts).
Identifiers: ClinVar variation 2419281 (VCV002419281.17), dbSNP rs776553641, ClinGen allele CA5961269.
Genomic context (GRCh38, chr11:45,965,459, plus strand): 5'-GAGCTGGGCCATGGGGAACGTTTTGGCTATGGTTGCAGTCTGCCCATTGACGACACGGAC[G>A]GGGTGGATGGAATTCTGGGATGTGGGAAGGGTTGTGGGGGTGAACTTGGTCAGCATGACG-3'
Protein context (NP_001338956.1, residues 274-294): TLPTSQNSIH[Pro284=]VRVVNGQTAT

ClinVar aggregate classification (germline): Benign/Likely benign. Review status: criteria provided, multiple submitters, no conflicts (2 of 4 stars). 2 submissions from 2 submitters: Benign (1); Likely benign (1). Last evaluated 2025-10-02.

Allele frequency attached by ClinVar (database versions not stated): TOPMed 0.00002; gnomAD 0.00004; gnomAD exomes 0.00009; ExAC 0.00014; 1000 Genomes Project 30x 0.00031.
gnomAD v4.1: 137 of 1,614,048 alleles (0.0085%); highest among the groups gnomAD compares: South Asian, 0.08%; no homozygotes.

Submissions (2):

Labcorp Genetics (formerly Invitae), Labcorp
Classification: Benign. Last evaluated: 2025-10-02. Review status: criteria provided, single submitter. Criteria: Invitae Variant Classification Sherloc (09022015). Collection method: clinical testing. Allele origin: germline.

CeGaT Center for Human Genetics Tuebingen
Classification: Likely benign. Last evaluated: 2025-05-01. Review status: criteria provided, single submitter. Criteria: CeGaT Center For Human Genetics Tuebingen Variant Classification Criteria Version 2. Collection method: clinical testing. Allele origin: germline. Affected: yes. Observed: 1 variant allele.
Comment: PHF21A: BP4, BP7